The following is an entry in ClinVar:

NM_004700.4(KCNQ4):c.405+2T>G

Gene: KCNQ4 (potassium voltage-gated channel subfamily Q member 4; plus strand). Cytogenetic location: 1p34.2.
Variant type: single nucleotide variant.
Coding change: c.405+2T>G on transcript NM_004700.4 (MANE Select); the canonical splice donor site of the intron after coding-DNA position 405, T replaced by G.
Molecular consequence: splice donor variant.
Genome position (GRCh38, 1-based): chr1:40,817,357, T>G. VCF-style: chr1-40817357-T-G. GRCh37 (hg19) VCF-style: chr1-41283029-T-G.
Other names: c.405+2T>G (NM_172163.3).
Identifiers: ClinVar variation 5006571 (VCV005006571.2).
Genomic context (GRCh38, chr1:40,817,357, plus strand): 5'-CTGTGCTGTCCACTATCCAGGAGCACCAGGAACTTGCCAACGAGTGTCTCCTCATCTTGG[T>G]AAGTGCTGGGAGTCCGGGACTGAGGGGGGCTGTGTGAGGTAGCACCTCTGGGCTGGGAGT-3'

ClinVar aggregate classification (germline): Likely pathogenic (1 of 4 stars; one submission).

Conditions:
Autosomal dominant nonsyndromic hearing loss 2A. Also called: DFNA2 Nonsyndromic Hearing Loss; Deafness, autosomal dominant 2A; Autosomal dominant nonsyndromic deafness 2A. Identifiers: Orphanet 90635, MedGen C2677637, MONDO:0010817, OMIM 600101.

Submission:

Juno Genomics, Hangzhou Juno Genomics, Inc
Classification: Likely pathogenic for Autosomal dominant nonsyndromic hearing loss 2A. Review status: criteria provided, single submitter. Criteria: ACMG Guidelines, 2015. Collection method: clinical testing. Allele origin: germline.
Comment: Null variant in a gene where loss of function (LOF) is a known mechanism of disease.;Absent from controls (or at extremely low frequency if recessive) in Genome Aggregation Database.